The following is an entry in ClinVar:

NM_000344.4(SMN1):c.836G>A (p.Gly279Asp)

Gene: SMN1 (survival of motor neuron 1, telomeric). Cytogenetic location: 5q13.2.
Variant type: single nucleotide variant.
Coding change: c.836G>A on transcript NM_000344.4 (MANE Select); coding-DNA position 836, G replaced by A.
Protein change: p.Gly279Asp; replaces glycine 279 with aspartic acid.
Molecular consequence: missense variant. On other transcripts: intron variant (1).
Genome position (GRCh38, 1-based): chr5:70,951,942, G>A. VCF-style: chr5-70951942-G-A. GRCh37 (hg19) VCF-style: chr5-70247769-G-A.
Other names: c.740G>A, p.Gly247Asp (NM_022874.2); c.835-497G>A (NM_001297715.1); short protein forms G247D, G279D.
Identifiers: ClinVar variation 928622 (VCV000928622.2), dbSNP rs76163360, ClinGen allele CA360098107.

ClinVar aggregate classification (germline): Uncertain significance (1 of 4 stars; one submission).

Submission:

Women's Health and Genetics/Laboratory Corporation of America, LabCorp
Classification: Uncertain significance. Last evaluated: 2022-06-29. Review status: criteria provided, single submitter. Criteria: LabCorp Variant Classification Summary - May 2015. Collection method: clinical testing. Allele origin: germline.
Comment: Variant summary: SMN1 c.836G>A (p.Gly279Asp) results in a non-conservative amino acid change located in the Survival motor neuron, Tudor domain (IPR010304) of the encoded protein sequence. Five of five in-silico tools predict a damaging effect of the variant on protein function. 4/4 computational tools predict no significant impact on normal splicing. However, these predictions have yet to be confirmed by functional studies. The variant was absent in 248266 control chromosomes (gnomAD). The available data on variant occurrences in the general population are insufficient to allow any conclusion about variant significance. c.836G>A has been reported in the literature as "SMN1 deleterious mutation" without further information on the phenotype (Thauvin-Robinet 2012). This publication reports additional variants affecting the same codon, p.Gly279Cys and p.Gly279Val, suggesting a mutational hotspot. These data do not allow any conclusion about variant significance. No clinical diagnostic laboratories have submitted clinical-significance assessments for this variant to ClinVar after 2014. Based on the evidence outlined above, the variant was classified as uncertain significance.

Literature cited by the submitters: PubMed 22678974.